The following is an entry in ClinVar:

NM_001166114.2(PNPLA6):c.3310A>G (p.Met1104Val)

Gene: PNPLA6 (patatin like domain 6, lysophospholipase; plus strand). Cytogenetic location: 19p13.2.
Variant type: single nucleotide variant.
Coding change: c.3310A>G on transcript NM_001166114.2 (MANE Select); coding-DNA position 3310, A replaced by G.
Protein change: p.Met1104Val; replaces methionine 1104 with valine.
Molecular consequence: missense variant.
Genome position (GRCh38, 1-based): chr19:7,557,197, A>G. VCF-style: chr19-7557197-A-G. GRCh37 (hg19) VCF-style: chr19-7622083-A-G.
Other names: c.3340A>G, p.Met1114Val (NM_001166111.2); c.3115A>G, p.Met1039Val (NM_001166112.2); c.3196A>G, p.Met1066Val (NM_001166113.1, NM_006702.5); short protein forms M1039V, M1066V, M1104V, M1114V.
Identifiers: ClinVar variation 1054891 (VCV001054891.9), dbSNP rs1176866323, ClinGen allele CA403133753.
Genomic context (GRCh38, chr19:7,557,197, plus strand): 5'-CGTGTTTGTGTCTGTGTGTCCCACCGCGCAGGCTCCCTGTGGCGGTACGTGCGCGCCAGC[A>G]TGACGCTGTCGGGCTACCTGCCCCCGCTGTGCGACCCCAAGGACGGGCACCTACTCATGG-3'
Protein context (NP_001159586.1, residues 1094-1114): GSLWRYVRAS[Met1104Val]TLSGYLPPLC

ClinVar aggregate classification (germline): Uncertain significance (1 of 4 stars; one submission).

Conditions:
Hereditary spastic paraplegia 39 (SPG39). Also called: SPASTIC PARAPLEGIA 39, AUTOSOMAL RECESSIVE; Spastic Paraplegia Type 39 (SPG39). Identifiers: Orphanet 139480, MedGen C2677586, MONDO:0012787, OMIM 612020.

Allele frequency attached by ClinVar (database versions not stated): gnomAD exomes below 0.00001.

Submission:

Labcorp Genetics (formerly Invitae), Labcorp
Classification: Uncertain significance for Hereditary spastic paraplegia 39. Last evaluated: 2024-10-29. Review status: criteria provided, single submitter. Criteria: Invitae Variant Classification Sherloc (09022015). Collection method: clinical testing. Allele origin: germline.
Comment: This sequence change replaces methionine, which is neutral and non-polar, with valine, which is neutral and non-polar, at codon 1066 of the PNPLA6 protein (p.Met1066Val). This variant is present in population databases (no rsID available, gnomAD 0.02%). This variant has not been reported in the literature in individuals affected with PNPLA6-related conditions. ClinVar contains an entry for this variant (Variation ID: 1054891). Invitae Evidence Modeling of protein sequence and biophysical properties (such as structural, functional, and spatial information, amino acid conservation, physicochemical variation, residue mobility, and thermodynamic stability) indicates that this missense variant is expected to disrupt PNPLA6 protein function with a positive predictive value of 80%. In summary, the available evidence is currently insufficient to determine the role of this variant in disease. Therefore, it has been classified as a Variant of Uncertain Significance.